The following is an entry in ClinVar:

NM_203447.4(DOCK8):c.54-93A>G

Gene: DOCK8 (dedicator of cytokinesis 8; plus strand). Cytogenetic location: 9p24.3.
Variant type: single nucleotide variant.
Coding change: c.54-93A>G on transcript NM_203447.4 (MANE Select); 93 bases into the intron before coding-DNA position 54, A replaced by G.
Molecular consequence: intron variant.
Genome position (GRCh38, 1-based): chr9:271,534, A>G. VCF-style: chr9-271534-A-G. GRCh37 (hg19) VCF-style: chr9-271534-A-G.
Identifiers: ClinVar variation 675136 (VCV000675136.2), dbSNP rs79772149, ClinGen allele CA187757946.
Genomic context (GRCh38, chr9:271,534, plus strand): 5'-CACTAACAGGCCACTGAAAAGGTATCTTAGTCAGTTCTGCTCATTGCCCAGCCAAGGCCT[A>G]CGTTTTATAACATGATATCAAAGATTGCATCTAAAATTGTGATGATTTCCTAAAATAATC-3'

ClinVar aggregate classification (germline): Benign. Review status: criteria provided, multiple submitters, no conflicts (2 of 4 stars). 2 submissions from 2 submitters: Benign (2). Last evaluated 2018-06-16.

Allele frequency attached by ClinVar (database versions not stated): gnomAD 0.03314 and 0.03554; 1000 Genomes Project 0.03335; 1000 Genomes Project 30x 0.03623; TOPMed 0.03646.
gnomAD v4.1: 8,834 of 1,020,820 alleles (0.87%); highest among the groups gnomAD compares: African/African-American, 11%; 434 homozygotes.

Submissions (2):

GeneDx
Classification: Benign. Last evaluated: 2018-06-16. Review status: criteria provided, single submitter. Criteria: GeneDx Variant Classification (06012015). Collection method: clinical testing. Allele origin: germline. Affected: yes.
Comment: This variant is considered likely benign or benign based on one or more of the following criteria: it is a conservative change, it occurs at a poorly conserved position in the protein, it is predicted to be benign by multiple in silico algorithms, and/or has population frequency not consistent with disease.

Breakthrough Genomics
Classification: Benign. Review status: criteria provided, single submitter. Criteria: ACMG Guidelines, 2015. Collection method: not provided. Allele origin: germline. Inheritance: Autosomal recessive inheritance. Affected: yes.